The following is an entry in ClinVar:

NM_014946.4(SPAST):c.1651G>C (p.Ala551Pro)

Gene: SPAST (spastin; plus strand). Cytogenetic location: 2p22.3.
Variant type: single nucleotide variant.
Coding change: c.1651G>C on transcript NM_014946.4 (MANE Select); coding-DNA position 1651, G replaced by C.
Protein change: p.Ala551Pro; replaces alanine 551 with proline.
Molecular consequence: missense variant. On other transcripts: intron variant (1).
Genome position (GRCh38, 1-based): chr2:32,144,971, G>C. VCF-style: chr2-32144971-G-C. GRCh37 (hg19) VCF-style: chr2-32370040-G-C.
Other names: c.1648G>C, p.Ala550Pro (NM_001363823.2); c.1552G>C, p.Ala518Pro (NM_001363875.2); c.1555G>C, p.Ala519Pro (NM_199436.2); c.1520+1556G>C (NM_001377959.1); short protein forms A551P, A519P, A518P, A550P.
Identifiers: ClinVar variation 2734156 (VCV002734156.3), dbSNP rs1553319538, ClinGen allele CA346504224.

ClinVar aggregate classification (germline): Uncertain significance (1 of 4 stars; one submission).

Conditions:
Hereditary spastic paraplegia 4. Also called: Familial spastic paraplegia autosomal dominant 2; Spastic paraplegia 4, autosomal dominant; Spastic Paraplegia 4. Identifiers: Orphanet 100985, MedGen C1866855, MONDO:0008438, OMIM 182601.

Submission:

Labcorp Genetics (formerly Invitae), Labcorp
Classification: Uncertain significance for Hereditary spastic paraplegia 4. Last evaluated: 2024-01-08. Review status: criteria provided, single submitter. Criteria: Invitae Variant Classification Sherloc (09022015). Collection method: clinical testing. Allele origin: germline.
Comment: This sequence change replaces alanine, which is neutral and non-polar, with proline, which is neutral and non-polar, at codon 551 of the SPAST protein (p.Ala551Pro). This variant is not present in population databases (gnomAD no frequency). This missense change has been observed in individual(s) with hereditary spastic paraplegia (PMID: 24033003, 25658484). Advanced modeling of protein sequence and biophysical properties (such as structural, functional, and spatial information, amino acid conservation, physicochemical variation, residue mobility, and thermodynamic stability) performed at Invitae indicates that this missense variant is expected to disrupt SPAST protein function with a positive predictive value of 80%. This variant disrupts the p.Ala551 amino acid residue in SPAST. Other variant(s) that disrupt this residue have been observed in individuals with SPAST-related conditions (PMID: 12124993), which suggests that this may be a clinically significant amino acid residue. In summary, the available evidence is currently insufficient to determine the role of this variant in disease. Therefore, it has been classified as a Variant of Uncertain Significance.

Literature cited by the submitters: PubMed 24033003; PubMed 25658484; PubMed 12124993.